The following is an entry in ClinVar:

NM_003590.5(CUL3):c.1349del (p.Ser450fs)

Gene: CUL3 (cullin 3; minus strand). Cytogenetic location: 2q36.2.
Variant type: Deletion.
Coding change: c.1349del on transcript NM_003590.5 (MANE Select); coding-DNA position 1349, one base deleted (C; older notation c.1349delC).
Protein change: p.Ser450fs; shifts the reading frame from serine 450.
Molecular consequence: frameshift variant.
Genome position (GRCh38, 1-based): chr2:224,503,680, G deleted on the plus strand (C on the coding strand, the reverse complement: CUL3 is on the minus strand). VCF-style (leftmost placement, unchanged base first): chr2-224503679-AG-A. GRCh37 (hg19) VCF-style: chr2-225368396-AG-A.
Other names: c.1151del, p.Ser384fs (NM_001257197.2); c.1367del, p.Ser456fs (NM_001257198.2); short protein forms S384fs, S450fs, S456fs.
Identifiers: ClinVar variation 2572631 (VCV002572631.1), dbSNP rs2469974019, ClinGen allele CA2580616714.

ClinVar aggregate classification (germline): Pathogenic (1 of 4 stars; one submission).

Conditions:
Neurodevelopmental disorder with or without autism or seizures (NEDAUS). Identifiers: MedGen C5543225, MONDO:0030994, OMIM 619239.

Submission:

Laboratory of Medical Genetics, National & Kapodistrian University of Athens
Classification: Pathogenic for Neurodevelopmental disorder with or without autism or seizures. Last evaluated: 2023-01-04. Review status: criteria provided, single submitter. Criteria: ACMG Guidelines, 2015. Collection method: clinical testing. Allele origin: germline. Affected: yes.
Comment: PS2, PVS1, PM2